The following is an entry in ClinVar:

NM_015896.4(ZMYND10):c.76G>T (p.Glu26Ter)

Gene: ZMYND10 (zinc finger MYND-type containing 10; minus strand). Cytogenetic location: 3p21.31.
Variant type: single nucleotide variant.
Coding change: c.76G>T on transcript NM_015896.4 (MANE Select); coding-DNA position 76, G replaced by T.
Protein change: p.Glu26Ter; replaces glutamic acid 26 with a stop codon.
Molecular consequence: nonsense.
Genome position (GRCh38, 1-based): chr3:50,345,504, C>A on the plus strand (G>T on the coding strand, the complement: ZMYND10 is on the minus strand). VCF-style: chr3-50345504-C-A. GRCh37 (hg19) VCF-style: chr3-50382935-C-A.
Other names: c.76G>T, p.Glu26Ter (NM_001308379.2); short protein forms E26*.
Identifiers: ClinVar variation 2694149 (VCV002694149.3), dbSNP rs1335327546, ClinGen allele CA352945969.
Genomic context (GRCh38, chr3:50,345,504, plus strand): 5'-CAAGGACAATGACTCCGGGACTCCGCCTGACCCGGGTGCCTCACCCTTCGGAGCCCATCT[C>A]GCGTAGCGGGAAGCTGCGCAGACCCCGCACCAGCACTTCAGCTTCCCCGGGCAGCAGCAG-3'

ClinVar aggregate classification (germline): Pathogenic (1 of 4 stars; one submission).

Conditions:
Primary ciliary dyskinesia. Also called: Ciliary dyskinesia. Identifiers: Orphanet 244, MedGen C0008780, MONDO:0016575, HP:0012265.

Submission:

Labcorp Genetics (formerly Invitae), Labcorp
Classification: Pathogenic for Primary ciliary dyskinesia. Last evaluated: 2023-11-07. Review status: criteria provided, single submitter. Criteria: Invitae Variant Classification Sherloc (09022015). Collection method: clinical testing. Allele origin: germline.
Comment: This sequence change creates a premature translational stop signal (p.Glu26*) in the ZMYND10 gene. It is expected to result in an absent or disrupted protein product. Loss-of-function variants in ZMYND10 are known to be pathogenic (PMID: 23891469, 23891471). This variant is not present in population databases (gnomAD no frequency). This variant has not been reported in the literature in individuals affected with ZMYND10-related conditions. For these reasons, this variant has been classified as Pathogenic.

Literature cited by the submitters: PubMed 23891469; PubMed 23891471.